The following is an entry in ClinVar:

NM_030973.4(MED25):c.784C>T (p.Gln262Ter)

Gene: MED25 (mediator complex subunit 25; plus strand). Cytogenetic location: 19q13.33.
Variant type: single nucleotide variant.
Coding change: c.784C>T on transcript NM_030973.4 (MANE Select); coding-DNA position 784, C replaced by T.
Protein change: p.Gln262Ter; replaces glutamine 262 with a stop codon.
Molecular consequence: nonsense.
Genome position (GRCh38, 1-based): chr19:49,830,183, C>T. VCF-style: chr19-49830183-C-T. GRCh37 (hg19) VCF-style: chr19-50333440-C-T.
Other names: c.784C>T, p.Gln262Ter (NM_001378355.1); short protein forms Q262*.
Identifiers: ClinVar variation 947431 (VCV000947431.7), dbSNP rs2074044739, ClinGen allele CA406914157.

ClinVar aggregate classification (germline): Uncertain significance (1 of 4 stars; one submission).

Conditions:
Charcot-Marie-Tooth disease type 2. Also called: Charcot-Marie-Tooth type 2. Identifiers: Orphanet 64746, MedGen C0270914, MONDO:0018993.

Allele frequency attached by ClinVar (database versions not stated): gnomAD exomes below 0.00001.

Submission:

Labcorp Genetics (formerly Invitae), Labcorp
Classification: Uncertain significance for Charcot-Marie-Tooth disease type 2. Last evaluated: 2019-05-08. Review status: criteria provided, single submitter. Criteria: Invitae Variant Classification Sherloc (09022015). Collection method: clinical testing. Allele origin: germline.
Comment: The current clinical and genetic evidence is not sufficient to establish whether loss-of-function variants in MED25 cause disease. In summary, the available evidence is currently insufficient to determine the role of this variant in disease. Therefore, it has been classified as a Variant of Uncertain Significance. This variant has not been reported in the literature in individuals with MED25-related conditions. This variant is not present in population databases (ExAC no frequency). This sequence change creates a premature translational stop signal (p.Gln262*) in the MED25 gene. It is expected to result in an absent or disrupted protein product.